The following is an entry in ClinVar:

ClinVar aggregate classification (germline): Uncertain significance. Review status: criteria provided, multiple submitters, no conflicts (2 of 4 stars). 2 submissions from 2 submitters: Uncertain significance (2). Last evaluated 2021-12-17.

Conditions:
Hereditary cancer-predisposing syndrome. Also called: Neoplastic Syndromes, Hereditary; Tumor predisposition; Hereditary Cancer Syndrome; Hereditary neoplastic syndrome. Identifiers: Orphanet 140162, MedGen C0027672, MeSH D009386, MONDO:0015356.
Familial cancer of breast. Also called: BREAST CANCER, FAMILIAL; Hereditary breast cancer; hereditary breast carcinoma. Identifiers: Orphanet 227535, MedGen C0346153, MONDO:0016419, OMIM 114480. Disease mechanism: loss of function.

Submissions (2):

Labcorp Genetics (formerly Invitae), Labcorp
Classification: Uncertain significance for Familial cancer of breast. Last evaluated: 2021-12-17. Review status: criteria provided, single submitter. Criteria: Invitae Variant Classification Sherloc (09022015). Collection method: clinical testing. Allele origin: germline.
Comment: In summary, the available evidence is currently insufficient to determine the role of this variant in disease. Therefore, it has been classified as a Variant of Uncertain Significance. Algorithms developed to predict the effect of sequence changes on RNA splicing suggest that this variant may create or strengthen a splice site. Algorithms developed to predict the effect of missense changes on protein structure and function output the following: SIFT: "Tolerated"; PolyPhen-2: "Benign"; Align-GVGD: "Class C0". The arginine amino acid residue is found in multiple mammalian species, which suggests that this missense change does not adversely affect protein function. ClinVar contains an entry for this variant (Variation ID: 187058). This variant has not been reported in the literature in individuals affected with PALB2-related conditions. This variant is not present in population databases (gnomAD no frequency). This sequence change replaces lysine, which is basic and polar, with arginine, which is basic and polar, at codon 81 of the PALB2 protein (p.Lys81Arg).

Ambry Genetics
Classification: Uncertain significance for Hereditary cancer-predisposing syndrome. Last evaluated: 2014-10-30. Review status: criteria provided, single submitter. Criteria: Ambry Variant Classification Scheme 2023. Collection method: clinical testing. Allele origin: germline.
Comment: The p.K81R variant (also known as c.242A>G), located in coding exon 4 of the PALB2 gene, results from an A to G substitution at nucleotide position 242. The lysine at codon 81 is replaced by arginine, an amino acid with highly similar properties. This variant was not reported in population based cohorts in the following databases: Database of Single Nucleotide Polymorphisms (dbSNP), NHLBI Exome Sequencing Project (ESP), and 1000 Genomes Project. In the ESP, this variant was not observed in 6497 samples (12994 alleles) with coverage at this position. To date, this alteration has been detected with an allele frequency of approximately 0.004% (greater than 23000 alleles tested) in our clinical cohort. This amino acid position is poorly conserved in available vertebrate species. In addition, this alteration is predicted to be benign and tolerated by PolyPhen and SIFT in silico analyses, respectively. Since supporting evidence is limited at this time, the clinical significance of p.K81R remains unclear.

NM_024675.4(PALB2):c.242A>G (p.Lys81Arg)

Gene: PALB2 (partner and localizer of BRCA2; minus strand). Cytogenetic location: 16p12.2.
Variant type: single nucleotide variant.
Coding change: c.242A>G on transcript NM_024675.4 (MANE Select); coding-DNA position 242, A replaced by G.
Protein change: p.Lys81Arg; replaces lysine 81 with arginine.
Molecular consequence: missense variant.
Genome position (GRCh38, 1-based): chr16:23,636,304, T>C on the plus strand (A>G on the coding strand, the complement: PALB2 is on the minus strand). VCF-style: chr16-23636304-T-C. GRCh37 (hg19) VCF-style: chr16-23647625-T-C.
Other names: short protein forms K81R.
Identifiers: ClinVar variation 187058 (VCV000187058.12), dbSNP rs786203440, ClinGen allele CA196624.